The following is an entry in ClinVar:

NM_057175.5(NAA15):c.2139T>G (p.Ile713Met)

Gene: NAA15 (N-alpha-acetyltransferase 15, NatA auxiliary subunit; plus strand). Cytogenetic location: 4q31.1.
Variant type: single nucleotide variant.
Coding change: c.2139T>G on transcript NM_057175.5 (MANE Select); coding-DNA position 2139, T replaced by G.
Protein change: p.Ile713Met; replaces isoleucine 713 with methionine.
Molecular consequence: missense variant.
Genome position (GRCh38, 1-based): chr4:139,378,838, T>G. VCF-style: chr4-139378838-T-G. GRCh37 (hg19) VCF-style: chr4-140299992-T-G.
Other names: short protein forms I713M.
Identifiers: ClinVar variation 1310321 (VCV001310321.2), dbSNP rs1187903195, ClinGen allele CA358270397.
Genomic context (GRCh38, chr4:139,378,838, plus strand): 5'-ATCAGTAAAGAGGGCATTTGCTATTGATTCTAGTCATCCCTGGCTTCATGAGTGTATGAT[T>G]CGTCTCTTTAATACTGGTATGTTTTTGTTTTCCATTACTTAAGTATTTGATACAGTGGTT-3'
Protein context (NP_476516.1, residues 703-723): SSHPWLHECM[Ile713Met]RLFNTAVCES

ClinVar aggregate classification (germline): Uncertain significance (1 of 4 stars; one submission).

Allele frequency attached by ClinVar (database versions not stated): gnomAD 0.00001; TOPMed 0.00001.
gnomAD v4.1: 3 of 1,556,796 alleles (0.00019%); highest among the groups gnomAD compares: East Asian, 0.0024%; no homozygotes.

Submission:

GeneDx
Classification: Uncertain significance. Last evaluated: 2019-11-18. Review status: criteria provided, single submitter. Criteria: GeneDx Variant Classification Process June 2021. Collection method: clinical testing. Allele origin: germline. Affected: yes.
Comment: Not observed in large population cohorts (Lek et al., 2016); In silico analysis, which includes protein predictors and evolutionary conservation, supports that this variant does not alter protein structure/function; Has not been previously published as pathogenic or benign to our knowledge